The following is an entry in ClinVar:

ClinVar aggregate classification (germline): Uncertain significance (1 of 4 stars; one submission).

Conditions:
LEPR-related disorder. Also called: LEPR-related disorders; LEPR-related condition.

gnomAD v4.1: 8 of 1,610,944 alleles (0.0005%); highest among the groups gnomAD compares: African/African-American, 0.008%; no homozygotes.

Submission:

PreventionGenetics, part of Exact Sciences
Classification: Uncertain significance for LEPR-related condition. Last evaluated: 2026-09-14. Review status: criteria provided, single submitter. Criteria: ACMG Guidelines, 2015. Collection method: clinical testing. Allele origin: germline.
Comment: The LEPR c.1286-5A>G variant is predicted to interfere with splicing. This variant is predicted to alter splicing based on available splicing prediction programs (SpliceAI, Jaganathan et al. 2019. PubMed ID: 30661751). To our knowledge, this variant has not been reported in the literature or in a large population database (gnomAD), indicating this variant is rare. At this time, the clinical significance of this variant is uncertain due to the absence of conclusive functional and genetic evidence.

NM_002303.6(LEPR):c.1286-5A>G

Gene: LEPR (leptin receptor; plus strand). Cytogenetic location: 1p31.3.
Variant type: single nucleotide variant.
Coding change: c.1286-5A>G on transcript NM_002303.6 (MANE Select); 5 bases into the intron before coding-DNA position 1286, A replaced by G.
Molecular consequence: intron variant.
Genome position (GRCh38, 1-based): chr1:65,601,838, A>G. VCF-style: chr1-65601838-A-G. GRCh37 (hg19) VCF-style: chr1-66067521-A-G.
Other names: c.1286-5A>G (NM_001003679.3, NM_001003680.3, NM_001198689.2 and 2 more transcripts).
Identifiers: ClinVar variation 3353124 (VCV003353124.2).